The following is an entry in ClinVar:

ClinVar aggregate classification (germline): Benign. Review status: criteria provided, multiple submitters, no conflicts (2 of 4 stars). 2 submissions from 2 submitters: Benign (2). Last evaluated 2018-01-12.

Conditions:
3-Oxo-5 alpha-steroid delta 4-dehydrogenase deficiency (PPSH). Also called: PSEUDOVAGINAL PERINEOSCROTAL HYPOSPADIAS; FAMILIAL INCOMPLETE MALE PSEUDOHERMAPHRODITISM, TYPE 2; MALE PSEUDOHERMAPHRODITISM DUE TO 5-ALPHA-REDUCTASE DEFICIENCY; 46,XY disorder of sex development due to 5-alpha-reductase 2 deficiency. Identifiers: Orphanet 753, MedGen C0268297, MONDO:0009923, OMIM 264600. Disease mechanism: loss of function.

Allele frequency attached by ClinVar (database versions not stated): 1000 Genomes Project 0.08866; gnomAD 0.09406 and 0.09554.
gnomAD v4.1: 56,401 of 807,108 alleles (7%); highest among the groups gnomAD compares: Middle Eastern, 11%; 3,228 homozygotes.

Submissions (2):

Illumina Laboratory Services, Illumina
Classification: Benign for 3-Oxo-5 alpha-steroid delta 4-dehydrogenase deficiency. Last evaluated: 2018-01-12. Review status: criteria provided, single submitter. Criteria: ICSL Variant Classification Criteria 13 December 2019. Collection method: clinical testing. Allele origin: germline.
Comment: This variant was observed in the ICSL laboratory as part of a predisposition screen in an ostensibly healthy population. It had not been previously curated by ICSL or reported in the Human Gene Mutation Database (HGMD: prior to June 1st, 2018), and was therefore a candidate for classification through an automated scoring system. Utilizing variant allele frequency, disease prevalence and penetrance estimates, and inheritance mode, an automated score was calculated to assess if this variant is too frequent to cause the disease. Based on the score and internal cut-off values, a variant classified as benign is not then subjected to further curation. The score for this variant resulted in a classification of benign for this disease.

Breakthrough Genomics
Classification: Benign. Review status: criteria provided, single submitter. Criteria: ACMG Guidelines, 2015. Collection method: not provided. Allele origin: germline. Inheritance: Autosomal recessive inheritance. Affected: yes.

NM_000348.4(SRD5A2):c.*88T>A

Gene: SRD5A2 (steroid 5 alpha-reductase 2; minus strand). Cytogenetic location: 2p23.1.
Variant type: single nucleotide variant.
Coding change: c.*88T>A on transcript NM_000348.4 (MANE Select); 88 bases downstream of the stop codon, T replaced by A.
Molecular consequence: 3 prime UTR variant.
Genome position (GRCh38, 1-based): chr2:31,526,108, A>T on the plus strand (T>A on the coding strand, the complement: SRD5A2 is on the minus strand). VCF-style: chr2-31526108-A-T. GRCh37 (hg19) VCF-style: chr2-31751178-A-T.
Identifiers: ClinVar variation 335816 (VCV000335816.6), dbSNP rs370989010, ClinGen allele CA10613214.